The following is an entry in ClinVar:

NM_015346.4(ZFYVE26):c.2585C>G (p.Pro862Arg)

Gene: ZFYVE26 (zinc finger FYVE-type containing 26; minus strand). Cytogenetic location: 14q24.1.
Variant type: single nucleotide variant.
Coding change: c.2585C>G on transcript NM_015346.4 (MANE Select); coding-DNA position 2585, C replaced by G.
Protein change: p.Pro862Arg; replaces proline 862 with arginine.
Molecular consequence: missense variant.
Genome position (GRCh38, 1-based): chr14:67,790,742, G>C on the plus strand (C>G on the coding strand, the complement: ZFYVE26 is on the minus strand). VCF-style: chr14-67790742-G-C. GRCh37 (hg19) VCF-style: chr14-68257459-G-C.
Other names: short protein forms P862R.
Identifiers: ClinVar variation 458279 (VCV000458279.9), dbSNP rs138050875, ClinGen allele CA7240220.
Genomic context (GRCh38, chr14:67,790,742, plus strand): 5'-TGGGCCAGTTCTTGGATCACTTCCTGGTAGCGCTCCATGAACATCAGTTCCCCTGAACTG[G>C]GTGAGGACTTCAGGTTGAACGTGAACAGCACCTGTCATAGGAGAGGGAGTGTGTGGGCCC-3'
Protein context (NP_056161.2, residues 852-872): VLFTFNLKSS[Pro862Arg]SSGELMFMER

ClinVar aggregate classification (germline): Uncertain significance. Review status: criteria provided, multiple submitters, no conflicts (2 of 4 stars). 4 submissions from 4 submitters: Uncertain significance (4). Last evaluated 2025-11-10.

Conditions:
Spastic paraplegia. Identifiers: MedGen C0037772, HP:0001258.
Inborn genetic diseases. Identifiers: MedGen C0950123, MeSH D030342.
Hereditary spastic paraplegia 15 (SPG15). Also called: SPASTIC PARAPLEGIA AND RETINAL DEGENERATION; KJELLIN SYNDROME; SPASTIC PARAPLEGIA 15, AUTOSOMAL RECESSIVE. Identifiers: Orphanet 100996, MedGen C1849128, MONDO:0010044, OMIM 270700.

Allele frequency attached by ClinVar (database versions not stated): gnomAD 0.00006; ESP Exome Variant Server 0.00008; ExAC 0.00012; gnomAD exomes 0.00012 and 0.00016; TOPMed 0.00012.
gnomAD v4.1: 184 of 1,614,046 alleles (0.011%); highest among the groups gnomAD compares: Middle Eastern, 0.21%; no homozygotes.

Submissions (4):

Labcorp Genetics (formerly Invitae), Labcorp
Classification: Uncertain significance for Spastic paraplegia. Last evaluated: 2025-11-10. Review status: criteria provided, single submitter. Criteria: Invitae Variant Classification Sherloc (09022015). Collection method: clinical testing. Allele origin: germline.
Comment: This sequence change replaces proline, which is neutral and non-polar, with arginine, which is basic and polar, at codon 862 of the ZFYVE26 protein (p.Pro862Arg). This variant is present in population databases (rs138050875, gnomAD 0.05%). This variant has not been reported in the literature in individuals affected with ZFYVE26-related conditions. ClinVar contains an entry for this variant (Variation ID: 458279). An algorithm developed to predict the effect of missense changes on protein structure and function (PolyPhen-2) suggests that this variant is likely to be tolerated. In summary, the available evidence is currently insufficient to determine the role of this variant in disease. Therefore, it has been classified as a Variant of Uncertain Significance.

Blueprint Genetics
Classification: Uncertain significance. Last evaluated: 2024-09-13. Review status: criteria provided, single submitter. Criteria: ACMG Guidelines, 2015. Collection method: clinical testing. Allele origin: germline.

Ambry Genetics
Classification: Uncertain significance for Inborn genetic diseases. Last evaluated: 2021-10-20. Review status: criteria provided, single submitter. Criteria: Ambry Variant Classification Scheme 2023. Collection method: clinical testing. Allele origin: germline.

Dubai Health Genomic Medicine Center, Dubai Health
Classification: Uncertain significance for Hereditary spastic paraplegia 15. Last evaluated: 2020-03-23. Review status: criteria provided, single submitter. Criteria: ACMG Guidelines, 2015. Collection method: clinical testing. Allele origin: germline. Affected: yes.